The following is an entry in ClinVar:

ClinVar aggregate classification (germline): Uncertain significance (1 of 4 stars; one submission).

Allele frequency attached by ClinVar (database versions not stated): gnomAD exomes below 0.00001; TOPMed below 0.00001; gnomAD 0.00001.
gnomAD v4.1: 2 of 1,613,852 alleles (0.00012%); highest among the groups gnomAD compares: Non-Finnish European, 0.00017%; no homozygotes.

Submission:

Labcorp Genetics (formerly Invitae), Labcorp
Classification: Uncertain significance. Last evaluated: 2021-09-01. Review status: criteria provided, single submitter. Criteria: Invitae Variant Classification Sherloc (09022015). Collection method: clinical testing. Allele origin: germline.
Comment: This sequence change replaces serine with cysteine at codon 272 of the KIAA1549 protein (p.Ser272Cys). The serine residue is moderately conserved and there is a moderate physicochemical difference between serine and cysteine. This variant is not present in population databases (ExAC no frequency). This variant has not been reported in the literature in individuals affected with KIAA1549-related conditions. Algorithms developed to predict the effect of missense changes on protein structure and function are either unavailable or do not agree on the potential impact of this missense change (SIFT: "Deleterious"; PolyPhen-2: "Possibly Damaging"; Align-GVGD: "Class C0"). In summary, the available evidence is currently insufficient to determine the role of this variant in disease. Therefore, it has been classified as a Variant of Uncertain Significance.

NM_001164665.2(KIAA1549):c.815C>G (p.Ser272Cys)

Gene: KIAA1549 (KIAA1549; minus strand). Cytogenetic location: 7q34.
Variant type: single nucleotide variant.
Coding change: c.815C>G on transcript NM_001164665.2 (MANE Select); coding-DNA position 815, C replaced by G.
Protein change: p.Ser272Cys; replaces serine 272 with cysteine.
Molecular consequence: missense variant.
Genome position (GRCh38, 1-based): chr7:138,918,811, G>C on the plus strand (C>G on the coding strand, the complement: KIAA1549 is on the minus strand). VCF-style: chr7-138918811-G-C. GRCh37 (hg19) VCF-style: chr7-138603557-G-C.
Other names: c.815C>G, p.Ser272Cys (NM_020910.3); short protein forms S272C.
Identifiers: ClinVar variation 954349 (VCV000954349.7), dbSNP rs1024678845, ClinGen allele CA167166938.